The following is an entry in ClinVar:

NM_005188.4(CBL):c.1240C>G (p.Gln414Glu)

Gene: CBL (Cbl proto-oncogene; plus strand). Cytogenetic location: 11q23.3.
Variant type: single nucleotide variant.
Coding change: c.1240C>G on transcript NM_005188.4 (MANE Select); coding-DNA position 1240, C replaced by G.
Protein change: p.Gln414Glu; replaces glutamine 414 with glutamic acid.
Molecular consequence: missense variant.
Genome position (GRCh38, 1-based): chr11:119,278,522, C>G. VCF-style: chr11-119278522-C-G. GRCh37 (hg19) VCF-style: chr11-119149232-C-G.
Other names: short protein forms Q414E.
Identifiers: ClinVar variation 1476348 (VCV001476348.6), dbSNP rs1268484791, ClinGen allele CA382913727.

ClinVar aggregate classification (germline): Uncertain significance (1 of 4 stars; one submission).

Conditions:
RASopathy. Also called: rasopathies; Noonan spectrum disorder. Identifiers: Orphanet 536391, MedGen C5555857, MONDO:0021060.

Allele frequency attached by ClinVar (database versions not stated): gnomAD 0.00001; gnomAD exomes 0.00001.
gnomAD v4.1: 4 of 1,613,952 alleles (0.00025%); highest among the groups gnomAD compares: Admixed American, 0.0033%; no homozygotes.

Submission:

Labcorp Genetics (formerly Invitae), Labcorp
Classification: Uncertain significance for RASopathy. Last evaluated: 2022-02-23. Review status: criteria provided, single submitter. Criteria: Invitae Variant Classification Sherloc (09022015). Collection method: clinical testing. Allele origin: germline.
Comment: This variant is present in population databases (no rsID available, gnomAD 0.007%). In summary, the available evidence is currently insufficient to determine the role of this variant in disease. Therefore, it has been classified as a Variant of Uncertain Significance. Advanced modeling of protein sequence and biophysical properties (such as structural, functional, and spatial information, amino acid conservation, physicochemical variation, residue mobility, and thermodynamic stability) performed at Invitae indicates that this missense variant is not expected to disrupt CBL protein function. This variant has not been reported in the literature in individuals affected with CBL-related conditions. This sequence change replaces glutamine, which is neutral and polar, with glutamic acid, which is acidic and polar, at codon 414 of the CBL protein (p.Gln414Glu).